The following is an entry in ClinVar:

NM_001291303.3(FAT4):c.10665del (p.Ala3556fs)

Gene: FAT4 (FAT atypical cadherin 4; plus strand). Cytogenetic location: 4q28.1.
Variant type: Deletion.
Coding change: c.10665del on transcript NM_001291303.3 (MANE Select); coding-DNA position 10665, one base deleted (T; older notation c.10665delT).
Protein change: p.Ala3556fs; shifts the reading frame from alanine 3556.
Molecular consequence: frameshift variant.
Genome position (GRCh38, 1-based): chr4:125,451,675, T deleted. VCF-style (leftmost placement, unchanged base first): chr4-125451674-CT-C. GRCh37 (hg19) VCF-style: chr4-126372829-CT-C.
Other names: c.10665del, p.Ala3556fs (NM_001291285.3); c.10659del, p.Ala3554fs (NM_024582.6); short protein forms A3554fs, A3556fs.
Identifiers: ClinVar variation 3345319 (VCV003345319.1).

ClinVar aggregate classification (germline): Likely pathogenic (0 of 4 stars; one submission).

Conditions:
FAT4-related disorder. Also called: FAT4-related condition.

Submission:

PreventionGenetics, part of Exact Sciences
Classification: Likely pathogenic for FAT4-related condition. Last evaluated: 2024-09-23. Review status: no assertion criteria provided. Collection method: clinical testing. Allele origin: germline.
Comment: The FAT4 c.10659delT variant is predicted to result in a frameshift and premature protein termination (p.Ala3554Profs*7). To our knowledge, this variant has not been reported in the literature or in a large population database, indicating this variant is rare. Frameshift variants in FAT4 are expected to be pathogenic. This variant is interpreted as likely pathogenic.